The following is an entry in ClinVar:

NM_002386.4(MC1R):c.596T>C (p.Met199Thr)

Gene: MC1R (melanocortin 1 receptor; plus strand). Cytogenetic location: 16q24.3.
Variant type: single nucleotide variant.
Coding change: c.596T>C on transcript NM_002386.4 (MANE Select); coding-DNA position 596, T replaced by C.
Protein change: p.Met199Thr; replaces methionine 199 with threonine.
Molecular consequence: missense variant.
Genome position (GRCh38, 1-based): chr16:89,919,854, T>C. VCF-style: chr16-89919854-T-C. GRCh37 (hg19) VCF-style: chr16-89986262-T-C.
Other names: short protein forms M199T.
Identifiers: ClinVar variation 5024074 (VCV005024074.1).

ClinVar aggregate classification (germline): Uncertain significance (1 of 4 stars; one submission).

Submission:

Ambry Genetics
Classification: Uncertain significance. Last evaluated: 2026-07-26. Review status: criteria provided, single submitter. Criteria: Ambry Variant Classification Scheme 2023. Collection method: clinical testing. Allele origin: germline.
Comment: The p.M199T variant (also known as c.596T>C), located in coding exon 1 of the MC1R gene, results from a T to C substitution at nucleotide position 596. The methionine at codon 199 is replaced by threonine, an amino acid with similar properties. This amino acid position is conserved. In addition, this alteration is predicted to be tolerated by in silico analysis. Based on the available evidence, the clinical significance of this variant remains unclear.